The following is an entry in ClinVar:

NM_024740.2(ALG9):c.131+5G>T

Genes: ALG9 (ALG9 alpha-1,2-mannosyltransferase; minus strand), LOC130006752 (ATAC-STARR-seq lymphoblastoid silent region 3902; plus strand). Cytogenetic location: 11q23.1.
Variant type: single nucleotide variant.
Coding change: c.131+5G>T on transcript NM_024740.2 (MANE Select); 5 bases into the intron after coding-DNA position 131, G replaced by T.
Molecular consequence: intron variant.
Genome position (GRCh38, 1-based): chr11:111,871,347, C>A on the plus strand (G>T on the coding strand, the complement: ALG9 is on the minus strand). VCF-style: chr11-111871347-C-A. GRCh37 (hg19) VCF-style: chr11-111742070-C-A.
Other names: c.-244+5G>T (NM_001352409.1); c.131+5G>T (NM_001352418.1, NM_001352417.1, NM_001077690.1); c.-387+5G>T (NM_001352410.1, NM_001352413.1).
Identifiers: ClinVar variation 937587 (VCV000937587.6), dbSNP rs567032424, ClinGen allele CA228561526.

ClinVar aggregate classification (germline): Uncertain significance (1 of 4 stars; one submission).

Conditions:
ALG9 congenital disorder of glycosylation (CDG1L). Also called: ALG9-CDG; CDG Il; CONGENITAL DISORDER OF GLYCOSYLATION, TYPE Il. Identifiers: Orphanet 79328, MedGen C2931006, MONDO:0012117, OMIM 608776.

Allele frequency attached by ClinVar (database versions not stated): TOPMed 0.00004.

Submission:

Labcorp Genetics (formerly Invitae), Labcorp
Classification: Uncertain significance for ALG9 congenital disorder of glycosylation. Last evaluated: 2023-07-17. Review status: criteria provided, single submitter. Criteria: Invitae Variant Classification Sherloc (09022015). Collection method: clinical testing. Allele origin: germline.
Comment: This sequence change falls in intron 1 of the ALG9 gene. It does not directly change the encoded amino acid sequence of the ALG9 protein. It affects a nucleotide within the consensus splice site. This variant is present in population databases (no rsID available, gnomAD 0.01%). This variant has not been reported in the literature in individuals affected with ALG9-related conditions. ClinVar contains an entry for this variant (Variation ID: 937587). Variants that disrupt the consensus splice site are a relatively common cause of aberrant splicing (PMID: 17576681, 9536098). Algorithms developed to predict the effect of sequence changes on RNA splicing suggest that this variant may create or strengthen a splice site. In summary, the available evidence is currently insufficient to determine the role of this variant in disease. Therefore, it has been classified as a Variant of Uncertain Significance.

Literature cited by the submitters: PubMed 17576681; PubMed 9536098.